The following is an entry in ClinVar:

NM_001164508.2(NEB):c.1905C>G (p.Tyr635Ter)

Gene: NEB (nebulin; minus strand). Cytogenetic location: 2q23.3.
Variant type: single nucleotide variant.
Coding change: c.1905C>G on transcript NM_001164508.2 (MANE Select); coding-DNA position 1905, C replaced by G.
Protein change: p.Tyr635Ter; replaces tyrosine 635 with a stop codon.
Molecular consequence: nonsense.
Genome position (GRCh38, 1-based): chr2:151,692,354, G>C on the plus strand (C>G on the coding strand, the complement: NEB is on the minus strand). VCF-style: chr2-151692354-G-C. GRCh37 (hg19) VCF-style: chr2-152548868-G-C.
Other names: c.1905C>G, p.Tyr635Ter (NM_001164507.2, NM_001271208.2, NM_004543.5); short protein forms Y635*.
Identifiers: ClinVar variation 2757233 (VCV002757233.4), dbSNP rs2552267936, ClinGen allele CA348824253.
Genomic context (GRCh38, chr2:151,692,354, plus strand): 5'-ATATTTTGGGGTCTCACAGTAATTCATACTCTTTGCCTTTGTCTTCTCATAGTTTTCCTT[G>C]TATAATCTCTGTTAAAGGAAAAATAAATTAAACCAAAAAGAAAGAAATATATATCTCATA-3'

ClinVar aggregate classification (germline): Pathogenic. Review status: criteria provided, multiple submitters, no conflicts (2 of 4 stars). 2 submissions from 2 submitters: Pathogenic (2). Last evaluated 2024-03-19.

Conditions:
Nemaline myopathy 2 (NEM2). Also called: Nemaline myopathy 2, autosomal recessive. Identifiers: MedGen C1850569, MONDO:0009725, OMIM 256030.

gnomAD v4.1: 2 of 1,601,278 alleles (0.00012%); no homozygotes.

Submissions (2):

Myriad Genetics, Inc.
Classification: Pathogenic for Nemaline myopathy 2. Last evaluated: 2024-03-19. Review status: criteria provided, single submitter. Criteria: Myriad Autosomal Dominant, Autosomal Recessive and X-Linked Classification Criteria (2023). Collection method: clinical testing. Allele origin: unknown.
Comment: NM_001271208.1(NEB):c.1905C>G(Y635*) is expected to be pathogenic in the context of NEB-related nemaline myopathy. This variant is predicted to lead to an abnormal or absent protein product due to the creation of a premature termination codon in NEB, a gene where loss-of-function variants are known to be pathogenic. Please note: this variant was assessed in the context of healthy population screening.

Labcorp Genetics (formerly Invitae), Labcorp
Classification: Pathogenic for Nemaline myopathy 2. Last evaluated: 2023-09-01. Review status: criteria provided, single submitter. Criteria: Invitae Variant Classification Sherloc (09022015). Collection method: clinical testing. Allele origin: germline.
Comment: For these reasons, this variant has been classified as Pathogenic. This variant has not been reported in the literature in individuals affected with NEB-related conditions. This variant is not present in population databases (gnomAD no frequency). This sequence change creates a premature translational stop signal (p.Tyr635*) in the NEB gene. It is expected to result in an absent or disrupted protein product. Loss-of-function variants in NEB are known to be pathogenic (PMID: 25205138).

Literature cited by the submitters: PubMed 25205138 (cited by Labcorp Genetics (formerly Invitae), Labcorp).